The following is an entry in ClinVar:

NM_177402.5(SYT2):c.1054-3C>T

Gene: SYT2 (synaptotagmin 2; minus strand). Cytogenetic location: 1q32.1.
Variant type: single nucleotide variant.
Coding change: c.1054-3C>T on transcript NM_177402.5 (MANE Select); 3 bases into the intron before coding-DNA position 1054, C replaced by T.
Molecular consequence: intron variant.
Genome position (GRCh38, 1-based): chr1:202,596,966, G>A on the plus strand (C>T on the coding strand, the complement: SYT2 is on the minus strand). VCF-style: chr1-202596966-G-A. GRCh37 (hg19) VCF-style: chr1-202566094-G-A.
Other names: c.1054-3C>T (NM_001136504.1).
Identifiers: ClinVar variation 1467737 (VCV001467737.6), dbSNP rs1690320268, ClinGen allele CA2481403169.

ClinVar aggregate classification (germline): Uncertain significance (1 of 4 stars; one submission).

Allele frequency attached by ClinVar (database versions not stated): gnomAD exomes below 0.00001; TOPMed below 0.00001.

Submission:

Labcorp Genetics (formerly Invitae), Labcorp
Classification: Uncertain significance. Last evaluated: 2022-08-15. Review status: criteria provided, single submitter. Criteria: Invitae Variant Classification Sherloc (09022015). Collection method: clinical testing. Allele origin: germline.
Comment: In summary, the available evidence is currently insufficient to determine the role of this variant in disease. Therefore, it has been classified as a Variant of Uncertain Significance. Variants that disrupt the consensus splice site are a relatively common cause of aberrant splicing (PMID: 17576681, 9536098). Algorithms developed to predict the effect of sequence changes on RNA splicing suggest that this variant is not likely to affect RNA splicing. This sequence change falls in intron 8 of the SYT2 gene. It does not directly change the encoded amino acid sequence of the SYT2 protein. It affects a nucleotide within the consensus splice site. This variant is not present in population databases (gnomAD no frequency). This variant has not been reported in the literature in individuals affected with SYT2-related conditions. ClinVar contains an entry for this variant (Variation ID: 1467737).

Literature cited by the submitters: PubMed 17576681; PubMed 9536098.